The following is an entry in ClinVar:

ClinVar aggregate classification (germline): Uncertain significance (1 of 4 stars; one submission).

gnomAD v4.1: 1 of 1,614,110 alleles (0.000062%); no homozygotes.

Submission:

Labcorp Genetics (formerly Invitae), Labcorp
Classification: Uncertain significance. Last evaluated: 2022-03-10. Review status: criteria provided, single submitter. Criteria: Invitae Variant Classification Sherloc (09022015). Collection method: clinical testing. Allele origin: germline.
Comment: In summary, the available evidence is currently insufficient to determine the role of this variant in disease. Therefore, it has been classified as a Variant of Uncertain Significance. Algorithms developed to predict the effect of missense changes on protein structure and function are either unavailable or do not agree on the potential impact of this missense change (SIFT: "Tolerated"; PolyPhen-2: "Probably Damaging"; Align-GVGD: "Class C0"). This variant has not been reported in the literature in individuals affected with TUBGCP6-related conditions. This variant is not present in population databases (gnomAD no frequency). This sequence change replaces glutamic acid, which is acidic and polar, with glycine, which is neutral and non-polar, at codon 168 of the TUBGCP6 protein (p.Glu168Gly).

NM_020461.4(TUBGCP6):c.503A>G (p.Glu168Gly)

Gene: TUBGCP6 (tubulin gamma complex component 6; minus strand). Cytogenetic location: 22q13.33.
Variant type: single nucleotide variant.
Coding change: c.503A>G on transcript NM_020461.4 (MANE Select); coding-DNA position 503, A replaced by G.
Protein change: p.Glu168Gly; replaces glutamic acid 168 with glycine.
Molecular consequence: missense variant.
Genome position (GRCh38, 1-based): chr22:50,243,957, T>C on the plus strand (A>G on the coding strand, the complement: TUBGCP6 is on the minus strand). VCF-style: chr22-50243957-T-C. GRCh37 (hg19) VCF-style: chr22-50682386-T-C.
Other names: short protein forms E168G.
Identifiers: ClinVar variation 1371552 (VCV001371552.7), dbSNP rs2147221867, ClinGen allele CA412115147.